The following is an entry in ClinVar:

ClinVar aggregate classification (germline): Likely pathogenic (1 of 4 stars; one submission).

Submission:

CeGaT Center for Human Genetics Tuebingen
Classification: Likely pathogenic. Last evaluated: 2025-04-01. Review status: criteria provided, single submitter. Criteria: CeGaT Center For Human Genetics Tuebingen Variant Classification Criteria Version 2. Collection method: clinical testing. Allele origin: germline. Affected: yes. Observed: 1 variant allele.
Comment: LRP4: PVS1:Strong, PM2

NM_002334.4(LRP4):c.2287del (p.Ser763fs)

Gene: LRP4 (LDL receptor related protein 4; minus strand). Cytogenetic location: 11p11.2.
Variant type: Deletion.
Coding change: c.2287del on transcript NM_002334.4 (MANE Select); coding-DNA position 2287, one base deleted (T; older notation c.2287delT).
Protein change: p.Ser763fs; shifts the reading frame from serine 763.
Molecular consequence: frameshift variant.
Genome position (GRCh38, 1-based): chr11:46,886,462, A deleted on the plus strand (T on the coding strand, the reverse complement: LRP4 is on the minus strand). VCF-style (leftmost placement, unchanged base first): chr11-46886461-GA-G. GRCh37 (hg19) VCF-style: chr11-46908012-GA-G.
Other names: short protein forms S763fs.
Identifiers: ClinVar variation 3898693 (VCV003898693.7).